The following is an entry in ClinVar:

ClinVar aggregate classification (germline): Uncertain significance (1 of 4 stars; one submission).

Conditions:
Acrocallosal syndrome (ACLS). Also called: HALLUX DUPLICATION, POSTAXIAL POLYDACTYLY, AND ABSENCE OF CORPUS CALLOSUM; Schinzel syndrome 1; Absence of corpus callosum with unusual facial appearance, mental deficiency, duplication of the halluces and polydactyly. Identifiers: Orphanet 36, MedGen C0796147, MONDO:0008708, OMIM 200990.

gnomAD v4.1: 6 of 1,548,888 alleles (0.00039%); highest among the groups gnomAD compares: Non-Finnish European, 0.00052%; no homozygotes.

Submission:

Labcorp Genetics (formerly Invitae), Labcorp
Classification: Uncertain significance for Acrocallosal syndrome. Last evaluated: 2022-05-06. Review status: criteria provided, single submitter. Criteria: Invitae Variant Classification Sherloc (09022015). Collection method: clinical testing. Allele origin: germline.
Comment: In summary, the available evidence is currently insufficient to determine the role of this variant in disease. Therefore, it has been classified as a Variant of Uncertain Significance. Algorithms developed to predict the effect of sequence changes on RNA splicing suggest that this variant may disrupt the consensus splice site. This variant has not been reported in the literature in individuals affected with KIF7-related conditions. This variant is not present in population databases (gnomAD no frequency). This sequence change falls in intron 2 of the KIF7 gene. It does not directly change the encoded amino acid sequence of the KIF7 protein.

NM_198525.3(KIF7):c.329-13G>A

Gene: KIF7 (kinesin family member 7; minus strand). Cytogenetic location: 15q26.1.
Variant type: single nucleotide variant.
Coding change: c.329-13G>A on transcript NM_198525.3 (MANE Select); 13 bases into the intron before coding-DNA position 329, G replaced by A.
Molecular consequence: intron variant.
Genome position (GRCh38, 1-based): chr15:89,649,954, C>T on the plus strand (G>A on the coding strand, the complement: KIF7 is on the minus strand). VCF-style: chr15-89649954-C-T. GRCh37 (hg19) VCF-style: chr15-90193185-C-T.
Identifiers: ClinVar variation 2184738 (VCV002184738.2), dbSNP rs771408124, ClinGen allele CA2580090209.